The following is an entry in ClinVar:

ClinVar aggregate classification (germline): Pathogenic. Review status: criteria provided, single submitter (1 of 4 stars). 5 submissions from 2 submitters: Pathogenic (1). 4 of the submissions do not count toward it. Last evaluated 2019-06-29.

Conditions:
Multiple epiphyseal dysplasia type 4 (EDM4). Also called: MULTIPLE EPIPHYSEAL DYSPLASIA WITH BILAYERED PATELLAE; MULTIPLE EPIPHYSEAL DYSPLASIA WITH CLUBFOOT; MULTIPLE EPIPHYSEAL DYSPLASIA, AUTOSOMAL RECESSIVE; Multiple Epiphyseal Dysplasia, Recessive; SLC26A2-Related Multiple Epiphyseal Dysplasia. Identifiers: Orphanet 93307, MedGen C1847593, MONDO:0009189, OMIM 226900.
Diastrophic dysplasia (DTD). Also called: Diastrophic dwarfism. Identifiers: Orphanet 628, MedGen C0220726, MONDO:0009107, OMIM 222600.
Achondrogenesis, type IB (ACG1B). Also called: Achondrogenesis Type 1B. Identifiers: Orphanet 932, Orphanet 93298, MedGen C0265274, MONDO:0010966, OMIM 600972.
Atelosteogenesis type II (AO2). Also called: NEONATAL OSSEOUS DYSPLASIA I; Neonatal osseous dysplasia 1; SLC26A2-Related Atelosteogenesis. Identifiers: Orphanet 56304, MedGen C1850554, MONDO:0009727, OMIM 256050.

Submissions (5):

Labcorp Genetics (formerly Invitae), Labcorp
Classification: Pathogenic for Atelosteogenesis type II; Multiple epiphyseal dysplasia type 4; Achondrogenesis, type IB; Diastrophic dysplasia. Last evaluated: 2019-06-29. Review status: criteria provided, single submitter. Criteria: Invitae Variant Classification Sherloc (09022015). Collection method: clinical testing. Allele origin: germline.
Comment: This variant disrupts the C-terminus of the SLC26A2 protein. Other variant(s) that disrupt this region (p.Ser551Valfs*34, p.Lys575Serfs*10, p.Tyr569*) have been determined to be pathogenic (PMID: 7923357, 8528239, 8571951, Invitae). This suggests that variants that disrupt this region of the protein are likely to be causative of disease. For these reasons, this variant has been classified as Pathogenic. This variant is not present in population databases (ExAC no frequency). This variant has not been reported in the literature in individuals with SLC26A2-related conditions. ClinVar contains an entry for this variant (Variation ID: 371786). This sequence change results in a premature translational stop signal in the SLC26A2 gene (p.Glu354*). While this is not anticipated to result in nonsense mediated decay, it is expected to disrupt the last 386 amino acids of the SLC26A2 protein.

Counsyl
Classification: Likely pathogenic for Diastrophic dysplasia. Last evaluated: 2016-11-01. Review status: no assertion criteria provided. Collection method: clinical testing. Allele origin: unknown. Not counted in ClinVar's aggregate classification.

Counsyl
Classification: Likely pathogenic for Multiple epiphyseal dysplasia type 4. Last evaluated: 2016-11-01. Review status: no assertion criteria provided. Collection method: clinical testing. Allele origin: unknown. Not counted in ClinVar's aggregate classification.

Counsyl
Classification: Likely pathogenic for Atelosteogenesis type II. Last evaluated: 2016-11-01. Review status: no assertion criteria provided. Collection method: clinical testing. Allele origin: unknown. Not counted in ClinVar's aggregate classification.

Counsyl
Classification: Likely pathogenic for Achondrogenesis, type IB. Last evaluated: 2016-11-01. Review status: no assertion criteria provided. Collection method: clinical testing. Allele origin: unknown. Not counted in ClinVar's aggregate classification.

Literature cited by the submitters: PubMed 7923357 (cited by Labcorp Genetics (formerly Invitae), Labcorp); PubMed 8528239 (cited by Labcorp Genetics (formerly Invitae), Labcorp); PubMed 8571951 (cited by Labcorp Genetics (formerly Invitae), Labcorp).

NM_000112.4(SLC26A2):c.1060G>T (p.Glu354Ter)

Gene: SLC26A2 (solute carrier family 26 member 2; plus strand). Cytogenetic location: 5q32.
Variant type: single nucleotide variant.
Coding change: c.1060G>T on transcript NM_000112.4 (MANE Select); coding-DNA position 1060, G replaced by T.
Protein change: p.Glu354Ter; replaces glutamic acid 354 with a stop codon.
Molecular consequence: nonsense.
Genome position (GRCh38, 1-based): chr5:149,980,653, G>T. VCF-style: chr5-149980653-G-T. GRCh37 (hg19) VCF-style: chr5-149360216-G-T.
Other names: short protein forms E354*.
Identifiers: ClinVar variation 371786 (VCV000371786.13), dbSNP rs1057517532, ClinGen allele CA16040994.